The following is an entry in ClinVar:

NM_004360.5(CDH1):c.2596G>T (p.Gly866Cys)

Gene: CDH1 (cadherin 1; plus strand). Cytogenetic location: 16q22.1.
Variant type: single nucleotide variant.
Coding change: c.2596G>T on transcript NM_004360.5 (MANE Select); coding-DNA position 2596, G replaced by T.
Protein change: p.Gly866Cys; replaces glycine 866 with cysteine.
Molecular consequence: missense variant.
Genome position (GRCh38, 1-based): chr16:68,833,446, G>T. VCF-style: chr16-68833446-G-T. GRCh37 (hg19) VCF-style: chr16-68867349-G-T.
Other names: c.2413G>T, p.Gly805Cys (NM_001317184.2); c.1048G>T, p.Gly350Cys (NM_001317185.2); c.631G>T, p.Gly211Cys (NM_001317186.2); short protein forms G866C, G211C, G805C, G350C.
Identifiers: ClinVar variation 5033985 (VCV005033985.1).

ClinVar aggregate classification (germline): Uncertain significance (1 of 4 stars; one submission).

Conditions:
Hereditary cancer-predisposing syndrome. Also called: Neoplastic Syndromes, Hereditary; Tumor predisposition; Hereditary neoplastic syndrome; Hereditary Cancer Syndrome. Identifiers: Orphanet 140162, MedGen C0027672, MeSH D009386, MONDO:0015356.

Submission:

Ambry Genetics
Classification: Uncertain significance for Hereditary cancer-predisposing syndrome. Last evaluated: 2026-07-07. Review status: criteria provided, single submitter. Criteria: Ambry Variant Classification Scheme 2023. Collection method: clinical testing. Allele origin: germline.
Comment: The p.G866C variant (also known as c.2596G>T), located in coding exon 16 of the CDH1 gene, results from a G to T substitution at nucleotide position 2596. The glycine at codon 866 is replaced by cysteine, an amino acid with highly dissimilar properties. This amino acid position is conserved. In addition, this alteration is predicted to be deleterious by in silico analysis. Based on the available evidence, the clinical significance of this variant remains unclear.